The following is an entry in ClinVar:

ClinVar aggregate classification (germline): Uncertain significance. Review status: criteria provided, multiple submitters, no conflicts (2 of 4 stars). 2 submissions from 2 submitters: Uncertain significance (2). Last evaluated 2024-10-24.

Conditions:
Cryopyrin associated periodic syndrome (CAPS). Identifiers: Orphanet 208650, MedGen C2316212, MONDO:0016168.

Allele frequency attached by ClinVar (database versions not stated): gnomAD exomes below 0.00001 and 0.00001; ExAC 0.00001; TOPMed 0.00001.
gnomAD v4.1: 2 of 1,614,166 alleles (0.00012%); highest among the groups gnomAD compares: South Asian, 0.0011%; no homozygotes.

Submissions (2):

Labcorp Genetics (formerly Invitae), Labcorp
Classification: Uncertain significance for Cryopyrin associated periodic syndrome. Last evaluated: 2024-10-24. Review status: criteria provided, single submitter. Criteria: Invitae Variant Classification Sherloc (09022015). Collection method: clinical testing. Allele origin: germline.
Comment: This sequence change falls in intron 5 of the NLRP3 gene. It does not directly change the encoded amino acid sequence of the NLRP3 protein. It affects a nucleotide within the consensus splice site. This variant is present in population databases (rs754098297, gnomAD 0.003%). This variant has not been reported in the literature in individuals affected with NLRP3-related conditions. ClinVar contains an entry for this variant (Variation ID: 1306444). Variants that disrupt the consensus splice site are a relatively common cause of aberrant splicing (PMID: 17576681, 9536098). Algorithms developed to predict the effect of sequence changes on RNA splicing suggest that this variant is not likely to affect RNA splicing. In summary, the available evidence is currently insufficient to determine the role of this variant in disease. Therefore, it has been classified as a Variant of Uncertain Significance.

GeneDx
Classification: Uncertain significance. Last evaluated: 2019-06-10. Review status: criteria provided, single submitter. Criteria: GeneDx Variant Classification Process June 2021. Collection method: clinical testing. Allele origin: germline. Affected: yes.
Comment: Not observed at a significant frequency in large population cohorts (Lek et al., 2016); In silico analysis, which includes splice predictors and evolutionary conservation, supports that this variant does not alter protein structure/function; Has not been previously published as pathogenic or benign to our knowledge

Literature cited by the submitters: PubMed 17576681 (cited by Labcorp Genetics (formerly Invitae), Labcorp); PubMed 9536098 (cited by Labcorp Genetics (formerly Invitae), Labcorp).

NM_001243133.2(NLRP3):c.2492+3G>A

Gene: NLRP3 (NLR family pyrin domain containing 3; plus strand). Cytogenetic location: 1q44.
Variant type: single nucleotide variant.
Coding change: c.2492+3G>A on transcript NM_001243133.2 (MANE Select); 3 bases into the intron after coding-DNA position 2492, G replaced by A.
Molecular consequence: intron variant.
Genome position (GRCh38, 1-based): chr1:247,434,276, G>A. VCF-style: chr1-247434276-G-A. GRCh37 (hg19) VCF-style: chr1-247597578-G-A.
Other names: c.2498+3G>A (NM_004895.5); c.2492+3G>A (NM_001127461.3, NM_001079821.3); c.2321+3G>A (NM_001127462.3, NM_183395.3).
Identifiers: ClinVar variation 1306444 (VCV001306444.5), dbSNP rs754098297, ClinGen allele CA1495248.
Genomic context (GRCh38, chr1:247,434,276, plus strand): 5'-GAATCAGACTTCTGTGTGTGGGACTGAAGCACCTGTTGTGCAATCTGAAGAAGCTCTGGT[G>A]AGTCGAGCCCGTTCCCCTAAGGAAGTTCTGCCAGCGAGGCGTGCTGCGCACTCTGGCTTC-3'